The following is an entry in ClinVar:

ClinVar aggregate classification (germline): Pathogenic. Review status: criteria provided, multiple submitters, no conflicts (2 of 4 stars). 2 submissions from 2 submitters: Pathogenic (2). Last evaluated 2025-11-06.

Conditions:
Hypertrophic cardiomyopathy. Also called: HYPERTROPHIC MYOCARDIOPATHY. Identifiers: Orphanet 217569, MedGen C0007194, MeSH D002312, MONDO:0005045, HP:0001639.
Primary familial hypertrophic cardiomyopathy (HCM). Identifiers: Orphanet 99739, MedGen C0949658, MeSH D024741, MONDO:0024573. Inheritance: Various modes of inheritance.

Submissions (2):

Women's Health and Genetics/Laboratory Corporation of America, LabCorp
Classification: Pathogenic for Primary familial hypertrophic cardiomyopathy. Last evaluated: 2025-11-06. Review status: criteria provided, single submitter. Criteria: LabCorp Variant Classification Summary - May 2015. Collection method: clinical testing. Allele origin: germline.
Comment: Variant summary: MYBPC3 c.1582_1583dupTG (p.Thr529AlafsX27) results in a premature termination codon, predicted to cause a truncation of the encoded protein or absence of the protein due to nonsense mediated decay, which are commonly known mechanisms for disease. The variant was absent in 248520 control chromosomes. To our knowledge, no occurrence of c.1582_1583dupTG in individuals affected with MYBPC3-related conditions and no experimental evidence demonstrating its impact on protein function have been reported. Loss-of-function variants in MYBPC3 are known to be pathogenic (PMID: 19574547). ClinVar contains an entry for this variant (Variation ID: 3729197). Based on the evidence outlined above, the variant was classified as pathogenic.

Labcorp Genetics (formerly Invitae), Labcorp
Classification: Pathogenic for Hypertrophic cardiomyopathy. Last evaluated: 2025-05-04. Review status: criteria provided, single submitter. Criteria: Invitae Variant Classification Sherloc (09022015). Collection method: clinical testing. Allele origin: germline.
Comment: This sequence change creates a premature translational stop signal (p.Thr529Alafs*27) in the MYBPC3 gene. It is expected to result in an absent or disrupted protein product. Loss-of-function variants in MYBPC3 are known to be pathogenic (PMID: 19574547). This variant is not present in population databases (gnomAD no frequency). This variant has not been reported in the literature in individuals affected with MYBPC3-related conditions. ClinVar contains an entry for this variant (Variation ID: 3729197). For these reasons, this variant has been classified as Pathogenic.

Literature cited by the submitters: PubMed 19574547 (cited by Labcorp Genetics (formerly Invitae), Labcorp).

NM_000256.3(MYBPC3):c.1582_1583dup (p.Thr529fs)

Gene: MYBPC3 (myosin binding protein C3; minus strand). Cytogenetic location: 11p11.2.
Variant type: Microsatellite.
Coding change: c.1582_1583dup on transcript NM_000256.3 (MANE Select); coding-DNA positions 1582 to 1583, 2 bases duplicated (TG; older notation c.1582_1583dupTG).
Protein change: p.Thr529fs; shifts the reading frame from threonine 529.
Molecular consequence: frameshift variant.
Genome position (GRCh38, 1-based): chr11:47,342,619-47,342,620, CA duplicated on the plus strand (TG on the coding strand, the reverse complement: MYBPC3 is on the minus strand); duplicating any 2 consecutive bases within chr11:47,342,619-47,342,622 gives the same sequence; the c. name uses the placement nearest the transcript's 3' end. VCF-style (leftmost placement, unchanged base first): chr11-47342618-G-GCA. GRCh37 (hg19) VCF-style: chr11-47364169-G-GCA.
Other names: c.1582_1583dupTG (NM_000256.3); short protein forms T529fs.
Identifiers: ClinVar variation 3729197 (VCV003729197.3).